The following is an entry in ClinVar:

NM_001134407.3(GRIN2A):c.4196G>T (p.Ser1399Ile)

Gene: GRIN2A (glutamate ionotropic receptor NMDA type subunit 2A; minus strand). Cytogenetic location: 16p13.2.
Variant type: single nucleotide variant.
Coding change: c.4196G>T on transcript NM_001134407.3 (MANE Select); coding-DNA position 4196, G replaced by T.
Protein change: p.Ser1399Ile; replaces serine 1399 with isoleucine.
Molecular consequence: missense variant. On other transcripts: 3 prime UTR variant (1).
Genome position (GRCh38, 1-based): chr16:9,763,348, C>A on the plus strand (G>T on the coding strand, the complement: GRIN2A is on the minus strand). VCF-style: chr16-9763348-C-A. GRCh37 (hg19) VCF-style: chr16-9857205-C-A.
Other names: c.4196G>T, p.Ser1399Ile (NM_000833.5); c.*7G>T (NM_001134408.2); short protein forms S1399I.
Identifiers: ClinVar variation 4821489 (VCV004821489.4).
Genomic context (GRCh38, chr16:9,763,348, plus strand): 5'-TGGCCCCGACTGTCCCTGGAACAGTACGATGCCGTTGACCTCAAGGACGACCGAAGATAG[C>A]TGTCATTCACCGCCTGGGATGGCAACGAGTGTTTGTAAGGGTCCGAGGGGCATCTCCCAA-3'
Protein context (NP_001127879.1, residues 1389-1409): HSLPSQAVND[Ser1399Ile]YLRSSLRSTA

ClinVar aggregate classification (germline): Uncertain significance (1 of 4 stars; one submission).

Submission:

CeGaT Center for Human Genetics Tuebingen
Classification: Uncertain significance. Last evaluated: 2026-02-01. Review status: criteria provided, single submitter. Criteria: CeGaT Center For Human Genetics Tuebingen Variant Classification Criteria Version 2. Collection method: clinical testing. Allele origin: germline. Affected: yes. Observed: 1 variant allele.
Comment: GRIN2A: PM2, BP4